The following is an entry in ClinVar:

ClinVar aggregate classification (germline): Uncertain significance (1 of 4 stars; one submission).

Allele frequency attached by ClinVar (database versions not stated): gnomAD exomes below 0.00001.
gnomAD v4.1: 2 of 1,610,670 alleles (0.00012%); highest among the groups gnomAD compares: Non-Finnish European, 0.00017%; no homozygotes.

Submission:

Labcorp Genetics (formerly Invitae), Labcorp
Classification: Uncertain significance. Last evaluated: 2025-04-28. Review status: criteria provided, single submitter. Criteria: Invitae Variant Classification Sherloc (09022015). Collection method: clinical testing. Allele origin: germline.
Comment: This sequence change disrupts the translational stop signal of the TRPM1 mRNA. It is expected to extend the length of the TRPM1 protein by 6 additional amino acid residues. This variant is not present in population databases (gnomAD no frequency). This variant has not been reported in the literature in individuals affected with TRPM1-related conditions. ClinVar contains an entry for this variant (Variation ID: 1485120). In summary, the available evidence is currently insufficient to determine the role of this variant in disease. Therefore, it has been classified as a Variant of Uncertain Significance.

NM_001252024.2(TRPM1):c.4877A>G (p.Ter1626Trp)

Gene: TRPM1 (transient receptor potential cation channel subfamily M member 1; minus strand). Cytogenetic location: 15q13.3.
Variant type: single nucleotide variant.
Coding change: c.4877A>G on transcript NM_001252024.2 (MANE Select); coding-DNA position 4877, A replaced by G.
Protein change: p.Ter1626Trp.
Molecular consequence: stop lost.
Genome position (GRCh38, 1-based): chr15:31,001,823, T>C on the plus strand (A>G on the coding strand, the complement: TRPM1 is on the minus strand). VCF-style: chr15-31001823-T-C. GRCh37 (hg19) VCF-style: chr15-31294026-T-C.
Other names: c.4928A>G, p.Ter1643Trp (NM_001252020.2); c.4811A>G, p.Ter1604Trp (NM_002420.6).
Identifiers: ClinVar variation 1485120 (VCV001485120.6), dbSNP rs2141098095, ClinGen allele CA391520364.
Genomic context (GRCh38, chr15:31,001,823, plus strand): 5'-AGATGACACCCATTAGTGGTTCTGACTGTTAAAAAAAAAAATTAAAGAAACAAAACAGAC[T>C]AGCATTCAGTTTCTGTGGAAGCTTTCTCTTTCTTAACCTTTTTTTCTTCTGCTGTCATTC-3'